The following is an entry in ClinVar:

ClinVar aggregate classification (germline): Uncertain significance (1 of 4 stars; one submission).

gnomAD v4.1: 3 of 1,607,630 alleles (0.00019%); highest among the groups gnomAD compares: Non-Finnish European, 0.00025%; no homozygotes.

Submission:

GeneDx
Classification: Uncertain significance. Last evaluated: 2025-01-21. Review status: criteria provided, single submitter. Criteria: GeneDx Variant Classification Process June 2021. Collection method: clinical testing. Allele origin: germline. Affected: yes.
Comment: Not observed at significant frequency in large population cohorts (gnomAD); In silico analysis indicates that this missense variant does not alter protein structure/function; Has not been previously published as pathogenic or benign to our knowledge

NM_017672.6(TRPM7):c.4532T>C (p.Val1511Ala)

Gene: TRPM7 (transient receptor potential cation channel subfamily M member 7; minus strand). Cytogenetic location: 15q21.2.
Variant type: single nucleotide variant.
Coding change: c.4532T>C on transcript NM_017672.6 (MANE Select); coding-DNA position 4532, T replaced by C.
Protein change: p.Val1511Ala; replaces valine 1511 with alanine.
Molecular consequence: missense variant. On other transcripts: non-coding transcript variant (3).
Genome position (GRCh38, 1-based): chr15:50,583,114, A>G on the plus strand (T>C on the coding strand, the complement: TRPM7 is on the minus strand). VCF-style: chr15-50583114-A-G. GRCh37 (hg19) VCF-style: chr15-50875311-A-G.
Other names: c.4529T>C, p.Val1510Ala (NM_001301212.2); short protein forms V1510A, V1511A.
Identifiers: ClinVar variation 4070831 (VCV004070831.1).